The following is an entry in ClinVar:

ClinVar aggregate classification (germline): Uncertain significance. Review status: criteria provided, multiple submitters, no conflicts (2 of 4 stars). 2 submissions from 2 submitters: Uncertain significance (2). Last evaluated 2022-03-28.

Conditions:
Bardet-Biedl syndrome 10 (BBS10). Identifiers: Orphanet 110, MedGen C1859568, MONDO:0014438, OMIM 615987.
Bardet-Biedl syndrome (BBS). Identifiers: Orphanet 110, MedGen C0752166, MONDO:0015229.

Allele frequency attached by ClinVar (database versions not stated): gnomAD exomes below 0.00001; gnomAD 0.00001.
gnomAD v4.1: 3 of 1,611,648 alleles (0.00019%); highest among the groups gnomAD compares: Non-Finnish European, 0.00025%; no homozygotes.

Submissions (2):

Fulgent Genetics
Classification: Uncertain significance for Bardet-Biedl syndrome 10. Last evaluated: 2022-03-28. Review status: criteria provided, single submitter. Criteria: ACMG Guidelines, 2015. Collection method: clinical testing. Allele origin: unknown.

Labcorp Genetics (formerly Invitae), Labcorp
Classification: Uncertain significance for Bardet-Biedl syndrome. Last evaluated: 2021-08-14. Review status: criteria provided, single submitter. Criteria: Invitae Variant Classification Sherloc (09022015). Collection method: clinical testing. Allele origin: germline.
Comment: This sequence change replaces proline with serine at codon 581 of the BBS10 protein (p.Pro581Ser). The proline residue is weakly conserved and there is a moderate physicochemical difference between proline and serine. This variant is not present in population databases (ExAC no frequency). This variant has not been reported in the literature in individuals affected with BBS10-related conditions. Algorithms developed to predict the effect of missense changes on protein structure and function (SIFT, PolyPhen-2, Align-GVGD) all suggest that this variant is likely to be tolerated. In summary, the available evidence is currently insufficient to determine the role of this variant in disease. Therefore, it has been classified as a Variant of Uncertain Significance.

NM_024685.4(BBS10):c.1741C>T (p.Pro581Ser)

Gene: BBS10 (Bardet-Biedl syndrome 10; minus strand). Cytogenetic location: 12q21.2.
Variant type: single nucleotide variant.
Coding change: c.1741C>T on transcript NM_024685.4 (MANE Select); coding-DNA position 1741, C replaced by T.
Protein change: p.Pro581Ser; replaces proline 581 with serine.
Molecular consequence: missense variant.
Genome position (GRCh38, 1-based): chr12:76,346,244, G>A on the plus strand (C>T on the coding strand, the complement: BBS10 is on the minus strand). VCF-style: chr12-76346244-G-A. GRCh37 (hg19) VCF-style: chr12-76740024-G-A.
Other names: short protein forms P581S.
Identifiers: ClinVar variation 1451034 (VCV001451034.6), dbSNP rs1453771610, ClinGen allele CA385810219.